The following is an entry in ClinVar:

NM_015910.7(WDPCP):c.160G>A (p.Asp54Asn)

Gene: WDPCP (WD repeat containing planar cell polarity effector; minus strand). Cytogenetic location: 2p15.
Variant type: single nucleotide variant.
Coding change: c.160G>A on transcript NM_015910.7 (MANE Select); coding-DNA position 160, G replaced by A.
Protein change: p.Asp54Asn; replaces aspartic acid 54 with asparagine.
Molecular consequence: missense variant. On other transcripts: non-coding transcript variant (2).
Genome position (GRCh38, 1-based): chr2:63,492,856, C>T on the plus strand (G>A on the coding strand, the complement: WDPCP is on the minus strand). VCF-style: chr2-63492856-C-T. GRCh37 (hg19) VCF-style: chr2-63719990-C-T.
Other names: c.88G>A, p.Asp30Asn (NM_001354044.2); c.160G>A, p.Asp54Asn (NM_001354045.2); c.160G>A (NM_015910.6); short protein forms D54N, D30N.
Identifiers: ClinVar variation 162669 (VCV000162669.28), dbSNP rs200322968, ClinGen allele CA175137.

ClinVar aggregate classification (germline): Conflicting classifications of pathogenicity. Review status: criteria provided, conflicting classifications (1 of 4 stars). 14 submissions from 13 submitters: Pathogenic (1); Likely pathogenic (5); Uncertain significance (6). 2 of the submissions do not count toward it. Last evaluated 2026-08-19.

Conditions:
Fetal anomalies with a likely genetic cause.
WDPCP-related disorder. Also called: WDPCP-related condition.
Heart defect - tongue hamartoma - polysyndactyly syndrome. Also called: Congenital heart defects, hamartomas of tongue, and polysyndactyly. Identifiers: Orphanet 1338, MedGen C1857587, MONDO:0009008, OMIM 217085.
Bardet-Biedl syndrome 15 (BBS15). Identifiers: Orphanet 110, MedGen C3150127, MONDO:0014443, OMIM 615992.
Orofaciodigital syndrome. Identifiers: Orphanet 140997, MedGen C0029294, MONDO:0015375.
Bardet-Biedl syndrome (BBS). Identifiers: Orphanet 110, MedGen C0752166, MONDO:0015229.
Retinal disorder. Also called: Retinopathy; Retinal disorders; Retinopathies; Retinal Diseases. Identifiers: MedGen C0035309, MONDO:0005283, HP:0000488.

Allele frequency attached by ClinVar (database versions not stated): ExAC 0.00006; ESP Exome Variant Server 0.00008; gnomAD 0.00010 and 0.00011; TOPMed 0.00011; gnomAD exomes 0.00013 and 0.00025.
gnomAD v4.1: 377 of 1,612,850 alleles (0.023%); highest among the groups gnomAD compares: Non-Finnish European, 0.029%; no homozygotes.

Submissions (15):

PreventionGenetics, part of Exact Sciences
Classification: Uncertain significance for WDPCP-related condition. Last evaluated: 2026-08-19. Review status: criteria provided, single submitter. Criteria: ACMG Guidelines, 2015. Collection method: clinical testing. Allele origin: germline.
Comment: The WDPCP c.160G>A variant is predicted to result in the amino acid substitution p.Asp54Asn. This variant is the last nucleotide of exon 2 and is predicted to alter splicing based on available splicing prediction programs (SpliceAI, Jaganathan et al. 2019. PubMed ID: 30661751). This variant has been reported in the compound heterozygous state in two individuals who presented with polydactyly, tongue hamartomas, and/or coarctation of the aorta (Saari et al. 2015. PubMed ID: 25427950; Toriyama et al. 2016. PubMed ID: 27158779). This variant was also described, along with a frameshift variant in the same gene, in an individual with a ciliopathy (supplementary data, Kousi et al. 2020. PubMed ID: 33046855). It has also been reported as heterozygous in an individual with obesity and BMI between 35.00 and 39.99 (Savas et al. 2019. PubMed ID: 31216558). This variant is reported in 0.023% of alleles in individuals of Latino descent in gnomAD. Although we suspect that this variant may be pathogenic, at this time, the clinical significance of this variant is uncertain due to the absence of conclusive functional and genetic evidence.

Genetics Laboratory, Great Ormond Street Hospital NHS Foundation Trust, North Thames Genomic Laboratory Hub
Classification: Likely pathogenic for Fetal anomalies with a likely genetic cause. Last evaluated: 2026-06-30. Review status: criteria provided, single submitter. Criteria: ACGS Best Practice Guidelines for Variant Classification in Rare Disease 2024 v1.2. Collection method: clinical testing. Allele origin: germline. Affected: yes.
Comment: PM2_moderate, PP3_supporting, PS3_supporting, PM3_strong

GeneDx
Classification: Pathogenic. Last evaluated: 2026-04-24. Review status: criteria provided, single submitter. Criteria: GeneDx Variant Classification Process June 2021. Collection method: clinical testing. Allele origin: germline.
Comment: Alters the last nucleotide of the exon and is predicted to destroy the splice donor site and result in aberrant splicing, although in the absence of functional evidence the actual effect of this sequence change is unknown; This variant is associated with the following publications: (PMID: 28289185, 35427153, 27158779, 25427950)

CeGaT Center for Human Genetics Tuebingen
Classification: Uncertain significance. Last evaluated: 2026-03-01. Review status: criteria provided, single submitter. Criteria: CeGaT Center For Human Genetics Tuebingen Variant Classification Criteria Version 2. Collection method: clinical testing. Allele origin: germline. Affected: yes. Observed: 1 variant allele.
Comment: WDPCP: PM2, PP3

Genetics Laboratory, Great Ormond Street Hospital NHS Foundation Trust, North Thames Genomic Laboratory Hub
Classification: Likely pathogenic for Retinal disorders. Last evaluated: 2026-02-18. Review status: criteria provided, single submitter. Criteria: ACGS Best Practice Guidelines for Variant Classification in Rare Disease 2024 v1.2. Collection method: clinical testing. Allele origin: germline. Affected: yes.
Comment: the same text as in the submission from Genetics Laboratory, Great Ormond Street Hospital NHS Foundation Trust, North Thames Genomic Laboratory Hub above.

Blueprint Genetics
Classification: Likely pathogenic for WDPCP-related disorders. Last evaluated: 2024-09-10. Review status: criteria provided, single submitter. Criteria: ACMG Guidelines, 2015. Collection method: clinical testing. Allele origin: germline. Affected: yes. Observed: 5 variant alleles.

Fulgent Genetics
Classification: Likely pathogenic for Heart defect - tongue hamartoma - polysyndactyly syndrome; Bardet-Biedl syndrome 15. Last evaluated: 2024-02-07. Review status: criteria provided, single submitter. Criteria: ACMG Guidelines, 2015. Collection method: clinical testing. Allele origin: germline.

Victorian Clinical Genetics Services, Murdoch Childrens Research Institute
Classification: Likely pathogenic for Heart defect - tongue hamartoma - polysyndactyly syndrome. Last evaluated: 2023-12-21. Review status: criteria provided, single submitter. Criteria: ACMG Guidelines, 2015. Collection method: clinical testing. Allele origin: germline. Inheritance: Autosomal recessive inheritance. Affected: yes.
Comment: Based on the classification scheme VCGS_Germline_v1.3.4, this variant is classified as Likely pathogenic. Following criteria are met: 0102 - Loss of function is a known mechanism of disease in this gene and is associated with congenital heart defects, hamartomas of tongue, and polysyndactyly (MIM#217085). (I) 0106 - This gene is associated with autosomal recessive disease. (I) 0200 - Variant is predicted to result in a missense amino acid change from aspartic acid to asparagine. Additionally, this variant affects the last nucleotide of exon 2, and is predicted to disrupt RNA splicing. (I) 0251 - This variant is heterozygous. (I) 0304 - Variant is present in gnomAD <0.01 for a recessive condition (v2: 36 heterozygotes, 0 homozygotes). (SP) 0501 - Missense variant consistently predicted to be damaging by multiple in silico tools or highly conserved with a major amino acid change. (SP) 0604 - Variant is not located in an established domain, motif, hotspot or informative constraint region. (I) 0705 - No comparable missense variants have previous evidence for pathogenicity. (I) 0802 - This variant has moderate previous evidence of pathogenicity in unrelated individuals. Although this variant has been reported as a variant of uncertain significance by clinical laboratories in ClinVar it has also been reported in three unrelated compound heterozygous individuals with a consistent ciliopathy phenotype (PMID: 33046855, PMID: 27158779, PMID: 25427950). (SP) 0905 - No published segregation evidence has been identified for this variant. (I) 1010 - Functional evidence for this variant is inconclusive. Reduction of protein expression has been shown in Xenopus embryos, however the functional assay was not quantitative so it was deemed to be insufficient evidence to determine the effect on the protein (PMID: 27158779). (I) Legend: (SP) - Supporting pathogenic, (I) - Information, (SB) - Supporting benign

Department of Pathology and Laboratory Medicine, Sinai Health System
Classification: Uncertain significance for Heart defect - tongue hamartoma - polysyndactyly syndrome; Bardet-Biedl syndrome 15. Last evaluated: 2022-12-13. Review status: criteria provided, single submitter. Criteria: ACMG Guidelines, 2015. Collection method: research. Allele origin: germline.

Labcorp Genetics (formerly Invitae), Labcorp
Classification: Uncertain significance for Bardet-Biedl syndrome. Last evaluated: 2022-09-06. Review status: criteria provided, single submitter. Criteria: Invitae Variant Classification Sherloc (09022015). Collection method: clinical testing. Allele origin: germline.
Comment: This sequence change replaces aspartic acid, which is acidic and polar, with asparagine, which is neutral and polar, at codon 54 of the WDPCP protein (p.Asp54Asn). This variant also falls at the last nucleotide of exon 2, which is part of the consensus splice site for this exon. This variant is present in population databases (rs200322968, gnomAD 0.02%). This missense change has been observed in individual(s) with clinical features of WDPCP-related conditions (PMID: 25427950, 28289185). ClinVar contains an entry for this variant (Variation ID: 162669). Algorithms developed to predict the effect of missense changes on protein structure and function are either unavailable or do not agree on the potential impact of this missense change (SIFT: "Tolerated"; PolyPhen-2: "Probably Damaging"; Align-GVGD: "Class C0"). Experimental studies are conflicting or provide insufficient evidence to determine the effect of this variant on WDPCP function (PMID: 27158779). Variants that disrupt the consensus splice site are a relatively common cause of aberrant splicing (PMID: 17576681, 9536098). Algorithms developed to predict the effect of sequence changes on RNA splicing suggest that this variant may disrupt the consensus splice site. In summary, the available evidence is currently insufficient to determine the role of this variant in disease. Therefore, it has been classified as a Variant of Uncertain Significance.

New York Genome Center
Classification: Uncertain significance for Heart defect - tongue hamartoma - polysyndactyly syndrome. Last evaluated: 2022-03-25. Review status: criteria provided, single submitter. Criteria: NYGC Assertion Criteria 2020. Collection method: clinical testing. Allele origin: germline. Observed: 1 heterozygote.

Baylor Genetics
Classification: Uncertain significance for Heart defect - tongue hamartoma - polysyndactyly syndrome. Last evaluated: 2017-09-01. Review status: criteria provided, single submitter. Criteria: ACMG Guidelines, 2015. Collection method: clinical testing. Allele origin: maternal. Inheritance: Autosomal recessive inheritance. Affected: yes.
Comment: Heterozygotes would be expected to be asymptomatic carriers.

University of Washington Center for Mendelian Genomics, University of Washington
Classification: Likely pathogenic for Orofaciodigital syndromes. Last evaluated: 2016-05-09. Review status: no assertion criteria provided. Collection method: research. Allele origin: unknown. Affected: yes. Observed: 1 compound heterozygote. Not counted in ClinVar's aggregate classification.

OMIM
Classification: Pathogenic for CONGENITAL HEART DEFECTS, HAMARTOMAS OF THE TONGUE, AND POLYSYNDACTYLY. Last evaluated: 2015-02-01. Review status: no assertion criteria provided. Collection method: literature only. Allele origin: germline. Not counted in ClinVar's aggregate classification.

Dr. Peter K. Rogan Lab, Western University
No classification provided (evidence only). Condition: Melanoma. Review status: no classification provided. Collection method: in vitro. Allele origin: not applicable. Functional consequence: retained intron. Not counted in ClinVar's aggregate classification.

Literature cited by the submitters: PubMed 25427950 (cited by 4 submitters); PubMed 27158779 (cited by 4 submitters); PubMed 33046855 (cited by Victorian Clinical Genetics Services, Murdoch Childrens Research Institute); PubMed 28289185 (cited by Labcorp Genetics (formerly Invitae), Labcorp); PubMed 17576681 (cited by Labcorp Genetics (formerly Invitae), Labcorp); PubMed 9536098 (cited by Labcorp Genetics (formerly Invitae), Labcorp); PubMed 25326635 (cited by Baylor Genetics); PubMed 20671153 (cited by OMIM).